The following is an entry in ClinVar:

ClinVar aggregate classification (germline): Uncertain significance (1 of 4 stars; one submission).

Submission:

Labcorp Genetics (formerly Invitae), Labcorp
Classification: Uncertain significance. Last evaluated: 2025-12-25. Review status: criteria provided, single submitter. Criteria: Invitae Variant Classification Sherloc (09022015). Collection method: clinical testing. Allele origin: germline.
Comment: This sequence change falls in intron 8 of the MSN gene. It does not directly change the encoded amino acid sequence of the MSN protein. It affects a nucleotide within the consensus splice site. This variant is not present in population databases (gnomAD no frequency). This variant has not been reported in the literature in individuals affected with MSN-related conditions. Variants that disrupt the consensus splice site are a relatively common cause of aberrant splicing (PMID: 17576681, 9536098). Algorithms developed to predict the effect of sequence changes on RNA splicing suggest that this variant is not likely to affect RNA splicing. In summary, the available evidence is currently insufficient to determine the role of this variant in disease. Therefore, it has been classified as a Variant of Uncertain Significance.

Literature cited by the submitters: PubMed 17576681; PubMed 9536098.

NM_002444.3(MSN):c.959+4G>T

Gene: MSN (moesin; plus strand). Cytogenetic location: Xq12.
Variant type: single nucleotide variant.
Coding change: c.959+4G>T on transcript NM_002444.3 (MANE Select); 4 bases into the intron after coding-DNA position 959, G replaced by T.
Molecular consequence: intron variant.
Genome position (GRCh38, 1-based): chrX:65,735,434, G>T. VCF-style: chrX-65735434-G-T. GRCh37 (hg19) VCF-style: chrX-64955296-G-T.
Other names: c.962+4G>T (NM_001440778.1).
Identifiers: ClinVar variation 4733124 (VCV004733124.1).